The following is an entry in ClinVar:

ClinVar aggregate classification (germline): Uncertain significance (1 of 4 stars; one submission).

Conditions:
Primary ciliary dyskinesia. Also called: Ciliary dyskinesia. Identifiers: Orphanet 244, MedGen C0008780, MONDO:0016575, HP:0012265.

gnomAD v4.1: 1 of 1,613,310 alleles (0.000062%); no homozygotes.

Submission:

Labcorp Genetics (formerly Invitae), Labcorp
Classification: Uncertain significance for Primary ciliary dyskinesia. Last evaluated: 2025-05-06. Review status: criteria provided, single submitter. Criteria: Invitae Variant Classification Sherloc (09022015). Collection method: clinical testing. Allele origin: germline.
Comment: This sequence change replaces leucine, which is neutral and non-polar, with serine, which is neutral and polar, at codon 1920 of the DNAH8 protein (p.Leu1920Ser). This variant is not present in population databases (gnomAD no frequency). This variant has not been reported in the literature in individuals affected with DNAH8-related conditions. Invitae Evidence Modeling of protein sequence and biophysical properties (such as structural, functional, and spatial information, amino acid conservation, physicochemical variation, residue mobility, and thermodynamic stability) indicates that this missense variant is not expected to disrupt DNAH8 protein function with a negative predictive value of 80%. In summary, the available evidence is currently insufficient to determine the role of this variant in disease. Therefore, it has been classified as a Variant of Uncertain Significance.

NM_001206927.2(DNAH8):c.5759T>C (p.Leu1920Ser)

Gene: DNAH8 (dynein axonemal heavy chain 8; plus strand). Cytogenetic location: 6p21.2.
Variant type: single nucleotide variant.
Coding change: c.5759T>C on transcript NM_001206927.2 (MANE Select); coding-DNA position 5759, T replaced by C.
Protein change: p.Leu1920Ser; replaces leucine 1920 with serine.
Molecular consequence: missense variant.
Genome position (GRCh38, 1-based): chr6:38,857,543, T>C. VCF-style: chr6-38857543-T-C. GRCh37 (hg19) VCF-style: chr6-38825319-T-C.
Other names: c.5108T>C, p.Leu1703Ser (NM_001371.4); short protein forms L1703S, L1920S.
Identifiers: ClinVar variation 4760642 (VCV004760642.1).
Genomic context (GRCh38, chr6:38,857,543, plus strand): 5'-TGGCAAATTTTAATATTTTTCTGCTGGATCTGTAGGTTGGACTTCTGGGAATTCAGATGT[T>C]GTGGACACACGATTCAGAAGAGGCTTTACGTAATGCAAAAGATGACAGGAAAATCATGCA-3'
Protein context (NP_001193856.1, residues 1910-1930): AQVGLLGIQM[Leu1920Ser]WTHDSEEALR